The following is an entry in ClinVar:

NM_003072.5(SMARCA4):c.1130G>T (p.Arg377Leu)

Gene: SMARCA4 (SWI/SNF related BAF chromatin remodeling complex subunit ATPase 4; plus strand). Cytogenetic location: 19p13.2.
Variant type: single nucleotide variant.
Coding change: c.1130G>T on transcript NM_003072.5 (MANE Select); coding-DNA position 1130, G replaced by T.
Protein change: p.Arg377Leu; replaces arginine 377 with leucine.
Molecular consequence: missense variant. On other transcripts: non-coding transcript variant (1).
Genome position (GRCh38, 1-based): chr19:10,989,328, G>T. VCF-style: chr19-10989328-G-T. GRCh37 (hg19) VCF-style: chr19-11100004-G-T.
Other names: c.1130G>T, p.Arg377Leu (NM_001128844.3, NM_001128845.2, NM_001128846.2 and 5 more transcripts); short protein forms R377L.
Identifiers: ClinVar variation 1437173 (VCV001437173.8), dbSNP rs1555756272, ClinGen allele CA404059370.

ClinVar aggregate classification (germline): Uncertain significance. Review status: criteria provided, multiple submitters, no conflicts (2 of 4 stars). 2 submissions from 2 submitters: Uncertain significance (2). Last evaluated 2023-10-28.

Conditions:
Hereditary cancer-predisposing syndrome. Also called: Neoplastic Syndromes, Hereditary; Hereditary Cancer Syndrome; Hereditary neoplastic syndrome; Tumor predisposition. Identifiers: Orphanet 140162, MedGen C0027672, MeSH D009386, MONDO:0015356.
Rhabdoid tumor predisposition syndrome 2 (RTPS2). Identifiers: Orphanet 231108, Orphanet 69077, MedGen C2750074, MONDO:0013224, OMIM 613325.

Submissions (2):

Labcorp Genetics (formerly Invitae), Labcorp
Classification: Uncertain significance for Rhabdoid tumor predisposition syndrome 2. Last evaluated: 2023-10-28. Review status: criteria provided, single submitter. Criteria: Invitae Variant Classification Sherloc (09022015). Collection method: clinical testing. Allele origin: germline.
Comment: This sequence change replaces arginine, which is basic and polar, with leucine, which is neutral and non-polar, at codon 377 of the SMARCA4 protein (p.Arg377Leu). This variant is not present in population databases (gnomAD no frequency). This variant has not been reported in the literature in individuals affected with SMARCA4-related conditions. ClinVar contains an entry for this variant (Variation ID: 1437173). Advanced modeling of protein sequence and biophysical properties (such as structural, functional, and spatial information, amino acid conservation, physicochemical variation, residue mobility, and thermodynamic stability) performed at Invitae indicates that this missense variant is expected to disrupt SMARCA4 protein function with a positive predictive value of 95%. In summary, the available evidence is currently insufficient to determine the role of this variant in disease. Therefore, it has been classified as a Variant of Uncertain Significance.

Ambry Genetics
Classification: Uncertain significance for Hereditary cancer-predisposing syndrome. Last evaluated: 2021-07-02. Review status: criteria provided, single submitter. Criteria: Ambry Variant Classification Scheme 2023. Collection method: clinical testing. Allele origin: germline.
Comment: The p.R377L variant (also known as c.1130G>T), located in coding exon 6 of the SMARCA4 gene, results from a G to T substitution at nucleotide position 1130. The arginine at codon 377 is replaced by leucine, an amino acid with dissimilar properties. This amino acid position is highly conserved in available vertebrate species. In addition, this alteration is predicted to be deleterious by in silico analysis. Missense and in-frame variants in SMARCA4 are known to cause neurodevelopmental disorders; however, such associations with rhabdoid tumor predisposition syndrome including small cell carcinoma of the ovary-hypercalcemic type (SCCOHT) are exceedingly rare (Kosho T et al. Am J Med Genet C Semin Med Genet. 2014 Sep;166C(3):262-75; Jelinic P et al. Nat Genet. 2014 May;46(5):424-6). Since supporting evidence is limited at this time, the clinical significance of this alteration remains unclear.